The following is an entry in ClinVar:

ClinVar aggregate classification (germline): Uncertain significance. Review status: criteria provided, multiple submitters, no conflicts (2 of 4 stars). 3 submissions from 3 submitters: Uncertain significance (3). Last evaluated 2025-10-01.

Conditions:
Inborn genetic diseases. Identifiers: MedGen C0950123, MeSH D030342.

Allele frequency attached by ClinVar (database versions not stated): gnomAD exomes below 0.00001 and 0.00001; ExAC 0.00001.
gnomAD v4.1: 8 of 1,612,578 alleles (0.0005%); highest among the groups gnomAD compares: Non-Finnish European, 0.00059%; no homozygotes.

Submissions (3):

GeneDx
Classification: Uncertain significance. Last evaluated: 2025-10-01. Review status: criteria provided, single submitter. Criteria: GeneDx Variant Classification Process June 2021. Collection method: clinical testing. Allele origin: germline. Affected: yes.
Comment: Has not been previously published as pathogenic or benign to our knowledge; Not observed at significant frequency in large population cohorts (gnomAD); In silico analysis suggests that this missense variant does not alter protein structure/function

Labcorp Genetics (formerly Invitae), Labcorp
Classification: Uncertain significance. Last evaluated: 2025-03-14. Review status: criteria provided, single submitter. Criteria: Invitae Variant Classification Sherloc (09022015). Collection method: clinical testing. Allele origin: germline.
Comment: This sequence change replaces proline, which is neutral and non-polar, with serine, which is neutral and polar, at codon 60 of the COL9A3 protein (p.Pro60Ser). The frequency data for this variant in the population databases is considered unreliable, as metrics indicate poor data quality at this position in the gnomAD database. This variant has not been reported in the literature in individuals affected with COL9A3-related conditions. ClinVar contains an entry for this variant (Variation ID: 1315487). Invitae Evidence Modeling of protein sequence and biophysical properties (such as structural, functional, and spatial information, amino acid conservation, physicochemical variation, residue mobility, and thermodynamic stability) indicates that this missense variant is not expected to disrupt COL9A3 protein function with a negative predictive value of 95%. In summary, the available evidence is currently insufficient to determine the role of this variant in disease. Therefore, it has been classified as a Variant of Uncertain Significance.

Ambry Genetics
Classification: Uncertain significance for Inborn genetic diseases. Last evaluated: 2024-07-26. Review status: criteria provided, single submitter. Criteria: Ambry Variant Classification Scheme 2023. Collection method: clinical testing. Allele origin: germline.

NM_001853.4(COL9A3):c.178C>T (p.Pro60Ser)

Gene: COL9A3 (collagen type IX alpha 3 chain; plus strand). Cytogenetic location: 20q13.33.
Variant type: single nucleotide variant.
Coding change: c.178C>T on transcript NM_001853.4 (MANE Select); coding-DNA position 178, C replaced by T.
Protein change: p.Pro60Ser; replaces proline 60 with serine.
Molecular consequence: missense variant.
Genome position (GRCh38, 1-based): chr20:62,818,548, C>T. VCF-style: chr20-62818548-C-T. GRCh37 (hg19) VCF-style: chr20-61449900-C-T.
Other names: short protein forms P60S.
Identifiers: ClinVar variation 1315487 (VCV001315487.8), dbSNP rs766431560, ClinGen allele CA9949039.